The following is an entry in ClinVar:

ClinVar aggregate classification (germline): Pathogenic (1 of 4 stars; one submission).

Submission:

Labcorp Genetics (formerly Invitae), Labcorp
Classification: Pathogenic. Last evaluated: 2022-08-31. Review status: criteria provided, single submitter. Criteria: Invitae Variant Classification Sherloc (09022015). Collection method: clinical testing. Allele origin: germline.
Comment: This sequence change creates a premature translational stop signal (p.Leu2056Profs*24) in the CDH23 gene. It is expected to result in an absent or disrupted protein product. Loss-of-function variants in CDH23 are known to be pathogenic (PMID: 11138009, 21940737). This variant is not present in population databases (gnomAD no frequency). This variant has not been reported in the literature in individuals affected with CDH23-related conditions. For these reasons, this variant has been classified as Pathogenic.

Literature cited by the submitters: PubMed 11138009; PubMed 21940737.

NM_022124.6(CDH23):c.6167del (p.Leu2056fs)

Gene: CDH23 (cadherin related 23; plus strand). Cytogenetic location: 10q22.1.
Variant type: Deletion.
Coding change: c.6167del on transcript NM_022124.6 (MANE Select); coding-DNA position 6167, one base deleted (T; older notation c.6167delT).
Protein change: p.Leu2056fs; shifts the reading frame from leucine 2056.
Molecular consequence: frameshift variant.
Genome position (GRCh38, 1-based): chr10:71,791,249, T deleted. VCF-style (leftmost placement, unchanged base first): chr10-71791248-CT-C. GRCh37 (hg19) VCF-style: chr10-73551005-CT-C.
Other names: short protein forms L2056fs.
Identifiers: ClinVar variation 2025774 (VCV002025774.4), dbSNP rs2494377719, ClinGen allele CA2580081851.